The following is an entry in ClinVar:

ClinVar aggregate classification (germline): Uncertain significance (1 of 4 stars; one submission).

Allele frequency attached by ClinVar (database versions not stated): gnomAD exomes below 0.00001; TOPMed below 0.00001; gnomAD 0.00001.
gnomAD v4.1: 2 of 1,613,764 alleles (0.00012%); highest among the groups gnomAD compares: Admixed American, 0.0017%; no homozygotes.

Submission:

Women's Health and Genetics/Laboratory Corporation of America, LabCorp
Classification: Uncertain significance. Last evaluated: 2023-11-14. Review status: criteria provided, single submitter. Criteria: LabCorp Variant Classification Summary - May 2015. Collection method: clinical testing. Allele origin: germline.
Comment: Variant summary: CAPRIN1 c.989A>G (p.Gln330Arg) results in a conservative amino acid change in the encoded protein sequence. Three of five in-silico tools predict a benign effect of the variant on protein function. The variant allele was found at a frequency of 4e-06 in 250794 control chromosomes. The available data on variant occurrences in the general population are insufficient to allow any conclusion about variant significance. To our knowledge, no occurrence of c.989A>G in individuals affected with CAPRIN1-Related Disorders and no experimental evidence demonstrating its impact on protein function have been reported. No submitters have cited clinical-significance assessments for this variant to ClinVar after 2014. Based on the evidence outlined above, the variant was classified as uncertain significance.

NM_005898.5(CAPRIN1):c.989A>G (p.Gln330Arg)

Gene: CAPRIN1 (cell cycle associated protein 1; plus strand). Cytogenetic location: 11p13.
Variant type: single nucleotide variant.
Coding change: c.989A>G on transcript NM_005898.5 (MANE Select); coding-DNA position 989, A replaced by G.
Protein change: p.Gln330Arg; replaces glutamine 330 with arginine.
Molecular consequence: missense variant.
Genome position (GRCh38, 1-based): chr11:34,086,086, A>G. VCF-style: chr11-34086086-A-G. GRCh37 (hg19) VCF-style: chr11-34107633-A-G.
Other names: c.989A>G, p.Gln330Arg (NM_203364.3); short protein forms Q330R.
Identifiers: ClinVar variation 2682511 (VCV002682511.1), dbSNP rs1169119505, ClinGen allele CA380028645.
Genomic context (GRCh38, chr11:34,086,086, plus strand): 5'-CTCTCCTATTCCTTCTAATCCTTTTTTTTCTACCTTAGGTGGTAAATTCACTCCAGCAGC[A>G]ACCTCAGGCTGCATCCCCTTCAGTACCAGAGCCCCACTCTTTGACTCCAGTGGCTCAGGC-3'
Protein context (NP_005889.3, residues 320-340): TVEVVNSLQQ[Gln330Arg]PQAASPSVPE